The following is an entry in ClinVar:

ClinVar aggregate classification (germline): Uncertain significance. Review status: criteria provided, multiple submitters, no conflicts (2 of 4 stars). 2 submissions from 2 submitters: Uncertain significance (2). Last evaluated 2025-04-28.

Conditions:
Congenital stationary night blindness 1D. Also called: Night blindness, congenital stationary (complete), 1D, autosomal recessive. Identifiers: Orphanet 215, MedGen C3151193, MONDO:0013450, OMIM 613830.

Submissions (2):

Labcorp Genetics (formerly Invitae), Labcorp
Classification: Uncertain significance. Last evaluated: 2025-04-28. Review status: criteria provided, single submitter. Criteria: Invitae Variant Classification Sherloc (09022015). Collection method: clinical testing. Allele origin: germline.
Comment: This sequence change replaces serine, which is neutral and polar, with asparagine, which is neutral and polar, at codon 629 of the SLC24A1 protein (p.Ser629Asn). This variant is not present in population databases (gnomAD no frequency). This variant has not been reported in the literature in individuals affected with SLC24A1-related conditions. ClinVar contains an entry for this variant (Variation ID: 886464). An algorithm developed to predict the effect of missense changes on protein structure and function outputs the following: PolyPhen-2: "Possibly Damaging". The asparagine amino acid residue is found in multiple mammalian species, which suggests that this missense change does not adversely affect protein function. In summary, the available evidence is currently insufficient to determine the role of this variant in disease. Therefore, it has been classified as a Variant of Uncertain Significance.

Illumina Laboratory Services, Illumina
Classification: Uncertain significance for Congenital stationary night blindness 1D. Last evaluated: 2018-01-12. Review status: criteria provided, single submitter. Criteria: ICSL Variant Classification Criteria 13 December 2019. Collection method: clinical testing. Allele origin: germline.

NM_004727.3(SLC24A1):c.1886G>A (p.Ser629Asn)

Gene: SLC24A1 (solute carrier family 24 member 1; plus strand). Cytogenetic location: 15q22.31.
Variant type: single nucleotide variant.
Coding change: c.1886G>A on transcript NM_004727.3 (MANE Select); coding-DNA position 1886, G replaced by A.
Protein change: p.Ser629Asn; replaces serine 629 with asparagine.
Molecular consequence: missense variant.
Genome position (GRCh38, 1-based): chr15:65,625,966, G>A. VCF-style: chr15-65625966-G-A. GRCh37 (hg19) VCF-style: chr15-65918304-G-A.
Other names: c.1886G>A, p.Ser629Asn (NM_001301031.1, NM_001301032.1, NM_001301033.2); short protein forms S629N.
Identifiers: ClinVar variation 886464 (VCV000886464.8), dbSNP rs2074500484, ClinGen allele CA392919070.